The following is an entry in ClinVar:

ClinVar aggregate classification (germline): Uncertain significance (1 of 4 stars; one submission).

Allele frequency attached by ClinVar (database versions not stated): gnomAD 0.00003; ExAC 0.00004; ESP Exome Variant Server 0.00008.
gnomAD v4.1: 74 of 1,562,286 alleles (0.0047%); highest among the groups gnomAD compares: Middle Eastern, 0.034%; 1 homozygote.

Submissions (2):

Labcorp Genetics (formerly Invitae), Labcorp
Classification: Uncertain significance. Last evaluated: 2023-06-29. Review status: criteria provided, single submitter. Criteria: Invitae Variant Classification Sherloc (09022015). Collection method: clinical testing. Allele origin: germline.
Comment: Variants that disrupt the consensus splice site are a relatively common cause of aberrant splicing (PMID: 17576681, 9536098). Algorithms developed to predict the effect of sequence changes on RNA splicing suggest that this variant is not likely to affect RNA splicing. ClinVar contains an entry for this variant (Variation ID: 1972441). This variant has not been reported in the literature in individuals affected with AGAP1-related conditions. This variant is present in population databases (rs200114461, gnomAD 0.1%), and has an allele count higher than expected for a pathogenic variant. This sequence change falls in intron 1 of the AGAP1 gene. It does not directly change the encoded amino acid sequence of the AGAP1 protein. It affects a nucleotide within the consensus splice site. In summary, the available evidence is currently insufficient to determine the role of this variant in disease. Therefore, it has been classified as a Variant of Uncertain Significance.

Dr. Peter K. Rogan Lab, Western University
No classification provided (evidence only). Condition: Malignant tumor of esophagus. Review status: no classification provided. Collection method: in vitro. Allele origin: not applicable. Functional consequence: retained intron. Not counted in ClinVar's aggregate classification.

Literature cited by the submitters: PubMed 17576681 (cited by Labcorp Genetics (formerly Invitae), Labcorp); PubMed 9536098 (cited by Labcorp Genetics (formerly Invitae), Labcorp).

NM_001037131.3(AGAP1):c.163+4A>T

Gene: AGAP1 (ArfGAP with GTPase domain, ankyrin repeat and PH domain 1; plus strand). Cytogenetic location: 2q37.2.
Variant type: single nucleotide variant.
Coding change: c.163+4A>T on transcript NM_001037131.3 (MANE Select); 4 bases into the intron after coding-DNA position 163, A replaced by T.
Molecular consequence: intron variant.
Genome position (GRCh38, 1-based): chr2:235,494,853, A>T. VCF-style: chr2-235494853-A-T. GRCh37 (hg19) VCF-style: chr2-236403497-A-T.
Other names: c.163+4A>T (NM_014914.5, NM_001244888.2).
Identifiers: ClinVar variation 1972441 (VCV001972441.6), dbSNP rs200114461, ClinGen allele CA2184156.
Genomic context (GRCh38, chr2:235,494,853, plus strand): 5'-GCGTGGAGGAGCCGGTGCTGCAGAACCAGATCCGGGAGCACGTCATCGCCATCGAAGGTG[A>T]GGGCCGGGCCGCCTTGGGGCCTCGGGAAGGCACGGACGCCCGCGGCGCGGCGGGGGTGTG-3'